The following is an entry in ClinVar:

NM_004385.5(VCAN):c.3017T>C (p.Val1006Ala)

Gene: VCAN (versican; plus strand). Cytogenetic location: 5q14.3.
Variant type: single nucleotide variant.
Coding change: c.3017T>C on transcript NM_004385.5 (MANE Select); coding-DNA position 3017, T replaced by C.
Protein change: p.Val1006Ala; replaces valine 1006 with alanine.
Molecular consequence: missense variant. On other transcripts: intron variant (2).
Genome position (GRCh38, 1-based): chr5:83,521,323, T>C. VCF-style: chr5-83521323-T-C. GRCh37 (hg19) VCF-style: chr5-82817142-T-C.
Other names: c.3017T>C, p.Val1006Ala (NM_001164098.2); c.1042+8927T>C (NM_001164097.2, NM_001126336.3); short protein forms V1006A.
Identifiers: ClinVar variation 3660083 (VCV003660083.2).

ClinVar aggregate classification (germline): Uncertain significance (1 of 4 stars; one submission).

gnomAD v4.1: 1 of 1,614,112 alleles (0.000062%); highest among the groups gnomAD compares: African/African-American, 0.0013%; no homozygotes.

Submission:

Labcorp Genetics (formerly Invitae), Labcorp
Classification: Uncertain significance. Last evaluated: 2024-07-21. Review status: criteria provided, single submitter. Criteria: Invitae Variant Classification Sherloc (09022015). Collection method: clinical testing. Allele origin: germline.
Comment: This sequence change replaces valine, which is neutral and non-polar, with alanine, which is neutral and non-polar, at codon 1006 of the VCAN protein (p.Val1006Ala). This variant is not present in population databases (gnomAD no frequency). This variant has not been reported in the literature in individuals affected with VCAN-related conditions. An algorithm developed to predict the effect of missense changes on protein structure and function outputs the following: PolyPhen-2: "Benign". The alanine amino acid residue is found in multiple mammalian species, which suggests that this missense change does not adversely affect protein function. In summary, the available evidence is currently insufficient to determine the role of this variant in disease. Therefore, it has been classified as a Variant of Uncertain Significance.